The following is an entry in ClinVar:

ClinVar aggregate classification (germline): Uncertain significance (1 of 4 stars; one submission).

Conditions:
Costello syndrome (CSTLO). Also called: FACIOCUTANEOSKELETAL SYNDROME; FCS SYNDROME; HRAS-Related Costello Syndrome. Identifiers: Orphanet 3071, MedGen C0587248, MONDO:0009026, OMIM 218040.

Submission:

Labcorp Genetics (formerly Invitae), Labcorp
Classification: Uncertain significance for Costello syndrome. Last evaluated: 2024-10-24. Review status: criteria provided, single submitter. Criteria: Invitae Variant Classification Sherloc (09022015). Collection method: clinical testing. Allele origin: germline.
Comment: This sequence change replaces threonine, which is neutral and polar, with methionine, which is neutral and non-polar, at codon 50 of the HRAS protein (p.Thr50Met). This variant is present in population databases (no rsID available, gnomAD 0.0009%). This variant has not been reported in the literature in individuals affected with HRAS-related conditions. Invitae Evidence Modeling of protein sequence and biophysical properties (such as structural, functional, and spatial information, amino acid conservation, physicochemical variation, residue mobility, and thermodynamic stability) has been performed for this missense variant. However, the output from this modeling did not meet the statistical confidence thresholds required to predict the impact of this variant on HRAS protein function. In summary, the available evidence is currently insufficient to determine the role of this variant in disease. Therefore, it has been classified as a Variant of Uncertain Significance.

NM_005343.4(HRAS):c.149C>T (p.Thr50Met)

Genes: LRRC56 (leucine rich repeat containing 56; plus strand), HRAS (HRas proto-oncogene, GTPase; minus strand). Cytogenetic location: 11p15.5.
Variant type: single nucleotide variant.
Coding change: c.149C>T on transcript NM_005343.4 (MANE Select); coding-DNA position 149, C replaced by T.
Protein change: p.Thr50Met; replaces threonine 50 with methionine.
Molecular consequence: missense variant. On other transcripts: 5 prime UTR variant (1).
Genome position (GRCh38, 1-based): chr11:533,907, G>A on the plus strand (C>T on the coding strand, the complement: HRAS is on the minus strand). VCF-style: chr11-533907-G-A. GRCh37 (hg19) VCF-style: chr11-533907-G-A.
Other names: c.149C>T, p.Thr50Met (NM_001130442.3, NM_176795.5); c.-171C>T (NM_001318054.2); short protein forms T50M.
Identifiers: ClinVar variation 3704327 (VCV003704327.2).
Genomic context (GRCh38, chr11:533,907, plus strand): 5'-TGGTCCCGCATGGCGCTGTACTCCTCCTGGCCGGCGGTATCCAGGATGTCCAACAGGCAC[G>A]TCTCCCCATCAATGACCACCTGCTTCCGGTAGGAATCCTGCAGGAGGACAGGGCTCAGGG-3'
Protein context (NP_005334.1, residues 40-60): YRKQVVIDGE[Thr50Met]CLLDILDTAG